The following is an entry in ClinVar:

NM_001242957.3(MAK):c.46G>A (p.Gly16Arg)

Gene: MAK (male germ cell associated kinase; minus strand). Cytogenetic location: 6p24.2.
Variant type: single nucleotide variant.
Coding change: c.46G>A on transcript NM_001242957.3 (MANE Select); coding-DNA position 46, G replaced by A.
Protein change: p.Gly16Arg; replaces glycine 16 with arginine.
Molecular consequence: missense variant. On other transcripts: non-coding transcript variant (2), intron variant (1).
Genome position (GRCh38, 1-based): chr6:10,830,603, C>T on the plus strand (G>A on the coding strand, the complement: MAK is on the minus strand). VCF-style: chr6-10830603-C-T. GRCh37 (hg19) VCF-style: chr6-10830836-C-T.
Other names: c.46G>A, p.Gly16Arg (NM_001242385.2, NM_005906.6); c.-2+7900G>A (NM_001377262.1); short protein forms G16R.
Identifiers: ClinVar variation 3896094 (VCV003896094.2).

ClinVar aggregate classification (germline): Conflicting classifications of pathogenicity. Review status: criteria provided, conflicting classifications (1 of 4 stars). 2 submissions from 2 submitters: Likely pathogenic (1); Uncertain significance (1). Last evaluated 2025-03-19.

Conditions:
MAK-related disorders.

gnomAD v4.1: 11 of 1,614,186 alleles (0.00068%); highest among the groups gnomAD compares: Non-Finnish European, 0.00093%; no homozygotes.

Submissions (2):

Women's Health and Genetics/Laboratory Corporation of America, LabCorp
Classification: Uncertain significance. Last evaluated: 2025-03-19. Review status: criteria provided, single submitter. Criteria: LabCorp Variant Classification Summary - May 2015. Collection method: clinical testing. Allele origin: germline.
Comment: Variant summary: MAK c.46G>A (p.Gly16Arg) results in a non-conservative amino acid change in the encoded protein sequence. Five of five in-silico tools predict a damaging effect of the variant on protein function. The variant allele was found at a frequency of 1.2e-05 in 251392 control chromosomes. The available data on variant occurrences in the general population are insufficient to allow any conclusion about variant significance. c.46G>A has been reported in trans with a pathogenic variant in the literature in at least 1 individual affected with Retinitis Pigmentosa (example, Bujakowska_2015). These data do not allow any conclusion about variant significance. To our knowledge, no experimental evidence demonstrating an impact on protein function has been reported. The following publication has been ascertained in the context of this evaluation (PMID: 26558903). No submitters have cited clinical-significance assessments for this variant to ClinVar. Based on the evidence outlined above, the variant was classified as uncertain significance.

Blueprint Genetics
Classification: Likely pathogenic for MAK-related disorders. Last evaluated: 2020-07-30. Review status: criteria provided, single submitter. Criteria: ACMG Guidelines, 2015. Collection method: clinical testing. Allele origin: germline. Affected: yes. Observed: 1 variant allele.

Literature cited by the submitters: PubMed 26558903 (cited by Women's Health and Genetics/Laboratory Corporation of America, LabCorp).